The following is an entry in ClinVar:

NM_000135.4(FANCA):c.217T>A (p.Ser73Thr)

Gene: FANCA (FA complementation group A; minus strand). Cytogenetic location: 16q24.3.
Variant type: single nucleotide variant.
Coding change: c.217T>A on transcript NM_000135.4 (MANE Select); coding-DNA position 217, T replaced by A.
Protein change: p.Ser73Thr; replaces serine 73 with threonine.
Molecular consequence: missense variant.
Genome position (GRCh38, 1-based): chr16:89,814,586, A>T on the plus strand (T>A on the coding strand, the complement: FANCA is on the minus strand). VCF-style: chr16-89814586-A-T. GRCh37 (hg19) VCF-style: chr16-89880994-A-T.
Other names: c.217T>A, p.Ser73Thr (NM_001018112.3, NM_001286167.3, NM_001351830.2); short protein forms S73T.
Identifiers: ClinVar variation 4022284 (VCV004022284.1).

ClinVar aggregate classification (germline): Uncertain significance (1 of 4 stars; one submission).

Conditions:
Inborn genetic diseases. Identifiers: MedGen C0950123, MeSH D030342.

Submission:

Ambry Genetics
Classification: Uncertain significance for Inborn genetic diseases. Last evaluated: 2025-05-18. Review status: criteria provided, single submitter. Criteria: Ambry Variant Classification Scheme 2023. Collection method: clinical testing. Allele origin: germline.
Comment: The p.S73T variant (also known as c.217T>A), located in coding exon 3 of the FANCA gene, results from a T to A substitution at nucleotide position 217. The serine at codon 73 is replaced by threonine, an amino acid with similar properties. This amino acid position is conserved. In addition, this alteration is predicted to be tolerated by in silico analysis. Based on the available evidence, the clinical significance of this variant remains unclear.